The following is an entry in ClinVar:

ClinVar aggregate classification (germline): Uncertain significance (1 of 4 stars; one submission).

Conditions:
Cardiovascular phenotype. Identifiers: MedGen CN230736.

Submission:

Ambry Genetics
Classification: Uncertain significance for Cardiovascular phenotype. Last evaluated: 2023-09-07. Review status: criteria provided, single submitter. Criteria: Ambry Variant Classification Scheme 2023. Collection method: clinical testing. Allele origin: germline.
Comment: The p.C523S variant (also known as c.1567T>A), located in coding exon 2 of the TNXB gene, results from a T to A substitution at nucleotide position 1567. The cysteine at codon 523 is replaced by serine, an amino acid with dissimilar properties. This amino acid position is conserved. In addition, this alteration is predicted to be deleterious by in silico analysis. Since supporting evidence is limited at this time, the clinical significance of this alteration remains unclear.

NM_001365276.2(TNXB):c.1567T>A (p.Cys523Ser)

Gene: TNXB (tenascin XB; minus strand). Cytogenetic location: 6p21.33.
Variant type: single nucleotide variant.
Coding change: c.1567T>A on transcript NM_001365276.2 (MANE Select); coding-DNA position 1567, T replaced by A.
Protein change: p.Cys523Ser; replaces cysteine 523 with serine.
Molecular consequence: missense variant.
Genome position (GRCh38, 1-based): chr6:32,096,286, A>T on the plus strand (T>A on the coding strand, the complement: TNXB is on the minus strand). VCF-style: chr6-32096286-A-T. GRCh37 (hg19) VCF-style: chr6-32064063-A-T.
Other names: c.1567T>A, p.Cys523Ser (NM_019105.8); short protein forms C523S.
Identifiers: ClinVar variation 2586128 (VCV002586128.2), dbSNP rs2483756372, ClinGen allele CA363479877.
Genomic context (GRCh38, chr6:32,096,286, plus strand): 5'-ACACGCCATCCTCGCAAAGGCCGTGCCCACGGCAGTCCCCGGGACAGCGACGGCTCCCAC[A>T]GTCCTCACCGGTGAAGCCCGGGTTGCACACGCAGCGGCCATCCACGCAGCGCCCGCGCCC-3'
Protein context (NP_001352205.1, residues 513-533): VCNPGFTGED[Cys523Ser]GSRRCPGDCR